The following is an entry in ClinVar:

NM_024740.2(ALG9):c.1659C>T (p.Pro553=)

Gene: ALG9 (ALG9 alpha-1,2-mannosyltransferase; minus strand). Cytogenetic location: 11q23.1.
Variant type: single nucleotide variant.
Coding change: c.1659C>T on transcript NM_024740.2 (MANE Select); coding-DNA position 1659, C replaced by T.
Protein change: p.Pro553=; no amino-acid change (proline 553 retained).
Molecular consequence: synonymous variant. On other transcripts: non-coding transcript variant (1).
Genome position (GRCh38, 1-based): chr11:111,809,717, G>A on the plus strand (C>T on the coding strand, the complement: ALG9 is on the minus strand). VCF-style: chr11-111809717-G-A. GRCh37 (hg19) VCF-style: chr11-111680441-G-A.
Other names: c.1638C>T, p.Pro546= (NM_001077690.1, NM_001352417.1); c.1146C>T, p.Pro382= (NM_001077691.2, NM_001352413.1, NM_001352414.2 and 1 more transcripts); c.1125C>T, p.Pro375= (NM_001077692.2, NM_001352409.1, NM_001352410.1 and 6 more transcripts); c.1515C>T, p.Pro505= (NM_001352418.1); c.1050C>T, p.Pro350= (NM_001352422.2); c.1002C>T, p.Pro334= (NM_001352423.2).
Identifiers: ClinVar variation 374733 (VCV000374733.52), dbSNP rs2276263, ClinGen allele CA6274362.

ClinVar aggregate classification (germline): Benign/Likely benign. Review status: criteria provided, multiple submitters, no conflicts (2 of 4 stars). 4 submissions from 4 submitters: Benign (3); Likely benign (1). Last evaluated 2026-06-01.

Conditions:
ALG9 congenital disorder of glycosylation (CDG1L). Also called: ALG9-CDG; CONGENITAL DISORDER OF GLYCOSYLATION, TYPE Il; CDG Il. Identifiers: Orphanet 79328, MedGen C2931006, MONDO:0012117, OMIM 608776.

Allele frequency attached by ClinVar (database versions not stated): gnomAD 0.00031 and 0.00046; gnomAD exomes 0.00041 and 0.00117; TOPMed 0.00063; ExAC 0.00122; 1000 Genomes Project 30x 0.00281; 1000 Genomes Project 0.00319.
gnomAD v4.1: 707 of 1,614,050 alleles (0.044%); highest among the groups gnomAD compares: East Asian, 1.4%; 5 homozygotes.

Submissions (4):

CeGaT Center for Human Genetics Tuebingen
Classification: Likely benign. Last evaluated: 2026-06-01. Review status: criteria provided, single submitter. Criteria: CeGaT Center For Human Genetics Tuebingen Variant Classification Criteria Version 2. Collection method: clinical testing. Allele origin: germline. Affected: yes. Observed: 2 variant alleles.
Comment: ALG9: BP4, BP7, BS1

Labcorp Genetics (formerly Invitae), Labcorp
Classification: Benign for ALG9 congenital disorder of glycosylation. Last evaluated: 2026-01-24. Review status: criteria provided, single submitter. Criteria: Invitae Variant Classification Sherloc (09022015). Collection method: clinical testing. Allele origin: germline.

ARUP Laboratories, Molecular Genetics and Genomics, ARUP Laboratories
Classification: Benign. Last evaluated: 2025-04-28. Review status: criteria provided, single submitter. Criteria: ARUP Molecular Germline Variant Investigation Process 2024. Collection method: clinical testing. Allele origin: germline.

GeneDx
Classification: Benign. Last evaluated: 2017-04-25. Review status: criteria provided, single submitter. Criteria: GeneDx Variant Classification (06012015). Collection method: clinical testing. Allele origin: germline. Affected: yes.
Comment: This variant is considered likely benign or benign based on one or more of the following criteria: it is a conservative change, it occurs at a poorly conserved position in the protein, it is predicted to be benign by multiple in silico algorithms, and/or has population frequency not consistent with disease.